The following is an entry in ClinVar:

ClinVar aggregate classification (germline): Pathogenic (1 of 4 stars; one submission).

Conditions:
Leber congenital amaurosis 1 (LCA1). Also called: Congenital absence of the rods and cones; Leber's congenital tapetoretinal degeneration; Leber's congenital tapetoretinal dysplasia; AMAUROSIS CONGENITA OF LEBER I; RETINAL BLINDNESS, CONGENITAL. Identifiers: Orphanet 65, MedGen C2931258, MONDO:0008764, OMIM 204000.
Cone-rod dystrophy 6 (CORD6). Also called: Cone dystrophy progressive; RETINAL CONE DYSTROPHY 2. Identifiers: Orphanet 1872, MedGen C1866293, MONDO:0011143, OMIM 601777.

Submission:

Labcorp Genetics (formerly Invitae), Labcorp
Classification: Pathogenic for Leber congenital amaurosis 1; Cone-rod dystrophy 6. Last evaluated: 2023-01-14. Review status: criteria provided, single submitter. Criteria: Invitae Variant Classification Sherloc (09022015). Collection method: clinical testing. Allele origin: germline.
Comment: For these reasons, this variant has been classified as Pathogenic. Algorithms developed to predict the effect of sequence changes on RNA splicing suggest that this variant may disrupt the consensus splice site. This variant has not been reported in the literature in individuals affected with GUCY2D-related conditions. This variant is not present in population databases (gnomAD no frequency). This sequence change creates a premature translational stop signal (p.Gly460Thrfs*96) in the GUCY2D gene. It is expected to result in an absent or disrupted protein product. Loss-of-function variants in GUCY2D are known to be pathogenic (PMID: 10951519, 11328726).

Literature cited by the submitters: PubMed 10951519; PubMed 11328726.

NM_000180.4(GUCY2D):c.1377_1378del (p.Gly460fs)

Gene: GUCY2D (guanylate cyclase 2D, retinal; plus strand). Cytogenetic location: 17p13.1.
Variant type: Deletion.
Coding change: c.1377_1378del on transcript NM_000180.4 (MANE Select); coding-DNA positions 1377 to 1378, 2 bases deleted (AG; older notation c.1377_1378delAG).
Protein change: p.Gly460fs; shifts the reading frame from glycine 460.
Molecular consequence: frameshift variant.
Genome position (GRCh38, 1-based): chr17:8,006,713-8,006,714, AG deleted; deleting any 2 consecutive bases within chr17:8,006,712-8,006,714 gives the same sequence; the c. name uses the placement nearest the transcript's 3' end. VCF-style (leftmost placement, unchanged base first): chr17-8006711-GGA-G. GRCh37 (hg19) VCF-style: chr17-7910029-GGA-G.
Other names: short protein forms G460fs.
Identifiers: ClinVar variation 2945448 (VCV002945448.3), dbSNP rs1275955653, ClinGen allele CA775508859.